The following is an entry in ClinVar:

NM_000059.4(BRCA2):c.5846del (p.Asp1949fs)

Gene: BRCA2 (BRCA2 DNA repair associated; plus strand). Cytogenetic location: 13q13.1.
Variant type: Deletion.
Coding change: c.5846del on transcript NM_000059.4 (MANE Select); coding-DNA position 5846, one base deleted (A; older notation c.5846delA).
Protein change: p.Asp1949fs; shifts the reading frame from aspartic acid 1949.
Molecular consequence: frameshift variant.
Genome position (GRCh38, 1-based): chr13:32,340,201, A deleted. VCF-style (leftmost placement, unchanged base first): chr13-32340200-GA-G. GRCh37 (hg19) VCF-style: chr13-32914337-GA-G.
Other names: c.5846delA (NM_000059.3); short protein forms D1949fs.
Identifiers: ClinVar variation 441475 (VCV000441475.15), dbSNP rs1555284423, ClinGen allele CA658653680.
Genomic context (GRCh38, chr13:32,340,200, plus strand): 5'-ATTTTACAACATAACCAAAATATGTCTGGATTGGAGAAAGTTTCTAAAATATCACCTTGT[GA>G]TGTTAGTTTGGAAACTTCAGATATATGTAAATGTAGTATAGGGAAGCTTCATAAGTCAGT-3'

ClinVar aggregate classification (germline): Pathogenic. Review status: reviewed by expert panel (3 of 4 stars). 3 submissions from 3 submitters: Pathogenic (1). 2 of the submissions do not count toward it. Last evaluated 2017-12-15.

Conditions:
Breast-ovarian cancer, familial, susceptibility to, 2 (BROVCA2). Also called: BRCA2 Hereditary Breast and Ovarian Cancer. Identifiers: Orphanet 145, MedGen C2675520, MONDO:0012933, OMIM 612555. Disease mechanism: loss of function.
Hereditary cancer-predisposing syndrome. Also called: Hereditary Cancer Syndrome; Hereditary neoplastic syndrome; Tumor predisposition; Neoplastic Syndromes, Hereditary. Identifiers: Orphanet 140162, MedGen C0027672, MeSH D009386, MONDO:0015356.
Hereditary breast ovarian cancer syndrome. Also called: Hereditary breast and ovarian cancer syndrome; BRCA1- and BRCA2-Associated Hereditary Breast and Ovarian Cancer; Hereditary breast and ovarian cancer syndrome (HBOC); Hereditary breast and/or ovarian cancer syndrome; Hereditary breast and ovarian cancer; Breast and ovarian cancer. Identifiers: Orphanet 145, MedGen C0677776, MeSH D061325, MONDO:0003582. Disease mechanism: loss of function.

Submissions (3):

Evidence-based Network for the Interpretation of Germline Mutant Alleles (ENIGMA)
Classification: Pathogenic for Breast-ovarian cancer, familial, susceptibility to, 2. Last evaluated: 2017-12-15. Review status: reviewed by expert panel. Criteria: ENIGMA BRCA1/2 Classification Criteria (2017-06-29). Collection method: curation. Allele origin: germline. Study: ENIGMA.
Comment: Variant allele predicted to encode a truncated non-functional protein.

Labcorp Genetics (formerly Invitae), Labcorp
Classification: Pathogenic for Hereditary breast ovarian cancer syndrome. Last evaluated: 2018-06-06. Review status: criteria provided, single submitter. Criteria: Invitae Variant Classification Sherloc (09022015). Collection method: clinical testing. Allele origin: germline. Not counted in ClinVar's aggregate classification.
Comment: This sequence change creates a premature translational stop signal (p.Asp1949Valfs*14) in the BRCA2 gene. It is expected to result in an absent or disrupted protein product. For these reasons, this variant has been classified as Pathogenic. Loss-of-function variants in BRCA2 are known to be pathogenic (PMID: 20104584). This variant has been observed in an individual affected with breast cancer (PMID: 28975465). ClinVar contains an entry for this variant (Variation ID: 441475). This variant is not present in population databases (ExAC no frequency).

Ambry Genetics
Classification: Pathogenic for Hereditary cancer-predisposing syndrome. Last evaluated: 2016-06-09. Review status: criteria provided, single submitter. Criteria: Ambry Variant Classification Scheme 2023. Collection method: clinical testing. Allele origin: germline. Not counted in ClinVar's aggregate classification.
Comment: The c.5846delA pathogenic mutation, located in coding exon 10 of the BRCA2 gene, results from a deletion of one nucleotide at nucleotide position 5846, causing a translational frameshift with a predicted alternate stop codon. Since frameshifts are typically deleterious in nature, this alteration is interpreted as a disease-causing mutation (ACMG Recommendations for Standards for Interpretation and Reporting of Sequence Variations. Revision 2007. Genet Med. 2008;10:294).

Literature cited by the submitters: PubMed 20104584 (cited by Labcorp Genetics (formerly Invitae), Labcorp); PubMed 28975465 (cited by Labcorp Genetics (formerly Invitae), Labcorp).